The following is an entry in ClinVar:

NM_002296.4(LBR):c.893-6_893-5del

Gene: LBR (lamin B receptor; minus strand). Cytogenetic location: 1q42.12.
Variant type: Deletion.
Coding change: c.893-6_893-5del on transcript NM_002296.4 (MANE Select); 6 bases into the intron before coding-DNA position 893 through 5 bases into the intron before coding-DNA position 893, 2 bases deleted (TT; older notation c.893-6_893-5delTT).
Molecular consequence: intron variant.
Genome position (GRCh38, 1-based): chr1:225,412,650-225,412,651, AA deleted on the plus strand (TT on the coding strand, the reverse complement: LBR is on the minus strand); deleting any 2 consecutive bases within chr1:225,412,650-225,412,665 gives the same sequence; the c. name uses the placement nearest the transcript's 3' end. VCF-style (leftmost placement, unchanged base first): chr1-225412649-TAA-T. GRCh37 (hg19) VCF-style: chr1-225600351-TAA-T.
Other names: NC_000001.10:g.225600366_225600367del; c.893-20_893-19del (NM_002296.4); c.893-6_893-5del (NM_194442.3).
Identifiers: ClinVar variation 3038302 (VCV003038302.3), dbSNP rs78306811, ClinGen allele CA1417295.

ClinVar aggregate classification (germline): Likely benign (0 of 4 stars; one submission).

Conditions:
LBR-related disorder. Also called: LBR-related condition; LBR-related disorders.

Submissions (4):

PreventionGenetics, part of Exact Sciences
Classification: Likely benign for LBR-related condition. Last evaluated: 2021-02-23. Review status: no assertion criteria provided. Collection method: clinical testing. Allele origin: germline.
Comment: This variant is classified as likely benign based on ACMG/AMP sequence variant interpretation guidelines (Richards et al. 2015 PMID: 25741868, with internal and published modifications).

Dr. Peter K. Rogan Lab, Western University
No classification provided (evidence only). Condition: Familial cancer of breast. Review status: no classification provided. Collection method: in vitro. Allele origin: not applicable. Functional consequence: retained intron. Not counted in ClinVar's aggregate classification.

Dr. Peter K. Rogan Lab, Western University
No classification provided (evidence only). Condition: Colorectal cancer. Review status: no classification provided. Collection method: in vitro. Allele origin: not applicable. Functional consequence: retained intron. Not counted in ClinVar's aggregate classification.

Dr. Peter K. Rogan Lab, Western University
No classification provided (evidence only). Condition: Uterine corpus endometrial carcinoma. Review status: no classification provided. Collection method: in vitro. Allele origin: not applicable. Functional consequence: retained intron. Not counted in ClinVar's aggregate classification.